The following is an entry in ClinVar:

NM_033380.3(COL4A5):c.2360G>C (p.Gly787Ala)

Gene: COL4A5 (collagen type IV alpha 5 chain; plus strand). Cytogenetic location: Xq22.3.
Variant type: single nucleotide variant.
Coding change: c.2360G>C on transcript NM_033380.3 (MANE Select); coding-DNA position 2360, G replaced by C.
Protein change: p.Gly787Ala; replaces glycine 787 with alanine.
Molecular consequence: missense variant.
Genome position (GRCh38, 1-based): chrX:108,606,857, G>C. VCF-style: chrX-108606857-G-C. GRCh37 (hg19) VCF-style: chrX-107850087-G-C.
Other names: c.2360G>C, p.Gly787Ala (NM_000495.5); short protein forms G787A.
Identifiers: ClinVar variation 3338968 (VCV003338968.1).

ClinVar aggregate classification (germline): Uncertain significance (1 of 4 stars; one submission).

Submission:

Women's Health and Genetics/Laboratory Corporation of America, LabCorp
Classification: Uncertain significance. Last evaluated: 2024-07-10. Review status: criteria provided, single submitter. Criteria: LabCorp Variant Classification Summary - May 2015. Collection method: clinical testing. Allele origin: germline.
Comment: Variant summary: COL4A5 c.2360G>C (p.Gly787Ala) results in a non-conservative amino acid change located in the Triple-helical region (Uniprot) of the encoded protein sequence. This missense variant disrupts a glycine residue at position 1 of a Gly-X-Y repeat in the collagenous domain of the collagen IV alpha 5 chain, however, the impact of this specific amino acid change does not allow definitive categorization (PMID: 33854215). Five of five in-silico tools predict a damaging effect of the variant on protein function. The variant allele was found at a frequency of 5.5e-06 in 183169 control chromosomes (gnomAD). The available data on variant occurrences in the general population are insufficient to allow any conclusion about variant significance. To our knowledge, no occurrence of c.2360G>C in individuals affected with Alport Syndrome 1, X-Linked Recessive and no experimental evidence demonstrating its impact on protein function have been reported. No submitters have cited clinical-significance assessments for this variant to ClinVar. Based on the evidence outlined above, the variant was classified as uncertain significance.